The following is an entry in ClinVar:

NM_015089.4(CUL9):c.6763G>A (p.Ala2255Thr)

Gene: CUL9 (cullin 9; plus strand). Cytogenetic location: 6p21.1.
Variant type: single nucleotide variant.
Coding change: c.6763G>A on transcript NM_015089.4 (MANE Select); coding-DNA position 6763, G replaced by A.
Protein change: p.Ala2255Thr; replaces alanine 2255 with threonine.
Molecular consequence: missense variant.
Genome position (GRCh38, 1-based): chr6:43,221,695, G>A. VCF-style: chr6-43221695-G-A. GRCh37 (hg19) VCF-style: chr6-43189433-G-A.
Other names: short protein forms A2255T.
Identifiers: ClinVar variation 3044478 (VCV003044478.2), dbSNP rs148551617, ClinGen allele CA3818778.
Genomic context (GRCh38, chr6:43,221,695, plus strand): 5'-ACACCCCTGCCCAGAGGCAGGAGTCCCTGACCAGCCAGCTTCCTCCATAGCATGACCTGT[G>A]CCAAATGTAACCATGGATTCTGCTGGCGCTGCCTCAAGTCCTGGAAGCCAAATCACAAAG-3'
Protein context (NP_055904.1, residues 2245-2265): KNEGCLHMTC[Ala2255Thr]KCNHGFCWRC

ClinVar aggregate classification (germline): Benign (0 of 4 stars; one submission).

Conditions:
CUL9-related disorder. Also called: CUL9-related condition.

Allele frequency attached by ClinVar (database versions not stated): gnomAD exomes 0.00017; ExAC 0.00060; gnomAD 0.00194; TOPMed 0.00213; ESP Exome Variant Server 0.00215; 1000 Genomes Project 0.00260; 1000 Genomes Project 30x 0.00281.
gnomAD v4.1: 564 of 1,613,838 alleles (0.035%); highest among the groups gnomAD compares: African/African-American, 0.69%; 6 homozygotes.

Submission:

PreventionGenetics, part of Exact Sciences
Classification: Benign for CUL9-related condition. Last evaluated: 2019-11-11. Review status: no assertion criteria provided. Collection method: clinical testing. Allele origin: germline.
Comment: This variant is classified as benign based on ACMG/AMP sequence variant interpretation guidelines (Richards et al. 2015 PMID: 25741868, with internal and published modifications).